The following is an entry in ClinVar:

NM_000395.3(CSF2RB):c.1171C>T (p.Leu391Phe)

Gene: CSF2RB (colony stimulating factor 2 receptor subunit beta; plus strand). Cytogenetic location: 22q12.3.
Variant type: single nucleotide variant.
Coding change: c.1171C>T on transcript NM_000395.3 (MANE Select); coding-DNA position 1171, C replaced by T.
Protein change: p.Leu391Phe; replaces leucine 391 with phenylalanine.
Molecular consequence: missense variant.
Genome position (GRCh38, 1-based): chr22:36,933,850, C>T. VCF-style: chr22-36933850-C-T. GRCh37 (hg19) VCF-style: chr22-37329892-C-T.
Other names: short protein forms L391F.
Identifiers: ClinVar variation 1423544 (VCV001423544.8), dbSNP rs1941212020, ClinGen allele CA411408844.
Genomic context (GRCh38, chr22:36,933,850, plus strand): 5'-ACGGGCACCGGGCCAGGCCTCACCCTCAGTGCCAACCCACAGGACAGCAAGACCGAGACC[C>T]TCCAGAACGCCCACAGCATGGCCCTGCCAGCCCTGGAGCCCTCCACCAGGTACTGGGCCA-3'
Protein context (NP_000386.1, residues 381-401): ATWKDSKTET[Leu391Phe]QNAHSMALPA

ClinVar aggregate classification (germline): Uncertain significance (1 of 4 stars; one submission).

Allele frequency attached by ClinVar (database versions not stated): TOPMed below 0.00001.

Submission:

Labcorp Genetics (formerly Invitae), Labcorp
Classification: Uncertain significance. Last evaluated: 2022-03-03. Review status: criteria provided, single submitter. Criteria: Invitae Variant Classification Sherloc (09022015). Collection method: clinical testing. Allele origin: germline.
Comment: In summary, the available evidence is currently insufficient to determine the role of this variant in disease. Therefore, it has been classified as a Variant of Uncertain Significance. Algorithms developed to predict the effect of missense changes on protein structure and function output the following: SIFT: "Tolerated"; PolyPhen-2: "Benign"; Align-GVGD: "Class C0". The phenylalanine amino acid residue is found in multiple mammalian species, which suggests that this missense change does not adversely affect protein function. This variant has not been reported in the literature in individuals affected with CSF2RB-related conditions. This variant is not present in population databases (gnomAD no frequency). This sequence change replaces leucine, which is neutral and non-polar, with phenylalanine, which is neutral and non-polar, at codon 391 of the CSF2RB protein (p.Leu391Phe).